The following is an entry in ClinVar:

ClinVar aggregate classification (germline): Uncertain significance. Review status: criteria provided, multiple submitters, no conflicts (2 of 4 stars). 2 submissions from 2 submitters: Uncertain significance (2). Last evaluated 2023-12-14.

Conditions:
Hereditary cancer-predisposing syndrome. Also called: Hereditary neoplastic syndrome; Neoplastic Syndromes, Hereditary; Tumor predisposition; Hereditary Cancer Syndrome. Identifiers: Orphanet 140162, MedGen C0027672, MeSH D009386, MONDO:0015356.
Familial melanoma. Also called: Hereditary melanoma; Hereditary cutaneous melanoma. Identifiers: Orphanet 618, MedGen C1512419, MONDO:0018961.

Allele frequency attached by ClinVar (database versions not stated): gnomAD exomes below 0.00001.
gnomAD v4.1: 1 of 1,614,180 alleles (0.000062%); highest among the groups gnomAD compares: Non-Finnish European, 0.000085%; no homozygotes.

Submissions (2):

Ambry Genetics
Classification: Uncertain significance for Hereditary cancer-predisposing syndrome. Last evaluated: 2023-12-14. Review status: criteria provided, single submitter. Criteria: Ambry Variant Classification Scheme 2023. Collection method: clinical testing. Allele origin: germline.
Comment: The p.P245L variant (also known as c.734C>T), located in coding exon 6 of the CDK4 gene, results from a C to T substitution at nucleotide position 734. The proline at codon 245 is replaced by leucine, an amino acid with similar properties. This amino acid position is conserved. In addition, this alteration is predicted to be tolerated by in silico analysis. Since supporting evidence is limited at this time, the clinical significance of this alteration remains unclear.

Labcorp Genetics (formerly Invitae), Labcorp
Classification: Uncertain significance for Familial melanoma. Last evaluated: 2023-12-05. Review status: criteria provided, single submitter. Criteria: Invitae Variant Classification Sherloc (09022015). Collection method: clinical testing. Allele origin: germline.
Comment: This sequence change replaces proline, which is neutral and non-polar, with leucine, which is neutral and non-polar, at codon 245 of the CDK4 protein (p.Pro245Leu). This variant is not present in population databases (gnomAD no frequency). This variant has not been reported in the literature in individuals affected with CDK4-related conditions. ClinVar contains an entry for this variant (Variation ID: 1006709). An algorithm developed to predict the effect of missense changes on protein structure and function (PolyPhen-2) suggests that this variant is likely to be tolerated. In summary, the available evidence is currently insufficient to determine the role of this variant in disease. Therefore, it has been classified as a Variant of Uncertain Significance.

NM_000075.4(CDK4):c.734C>T (p.Pro245Leu)

Genes: TSPAN31 (tetraspanin 31; plus strand), CDK4 (cyclin dependent kinase 4; minus strand). Cytogenetic location: 12q14.1.
Variant type: single nucleotide variant.
Coding change: c.734C>T on transcript NM_000075.4 (MANE Select); coding-DNA position 734, C replaced by T.
Protein change: p.Pro245Leu; replaces proline 245 with leucine.
Molecular consequence: missense variant. On other transcripts: 3 prime UTR variant (3).
Genome position (GRCh38, 1-based): chr12:57,749,267, G>A on the plus strand (C>T on the coding strand, the complement: CDK4 is on the minus strand). VCF-style: chr12-57749267-G-A. GRCh37 (hg19) VCF-style: chr12-58143050-G-A.
Other names: c.*1977G>A (NM_001330168.2, NM_001330169.2, NM_005981.5); short protein forms P245L.
Identifiers: ClinVar variation 1006709 (VCV001006709.9), dbSNP rs1955201842, ClinGen allele CA385543441.